The following is an entry in ClinVar:

NM_006311.4(NCOR1):c.2513G>C (p.Gly838Ala)

Gene: NCOR1 (nuclear receptor corepressor 1; minus strand). Cytogenetic location: 17p11.2.
Variant type: single nucleotide variant.
Coding change: c.2513G>C on transcript NM_006311.4 (MANE Select); coding-DNA position 2513, G replaced by C.
Protein change: p.Gly838Ala; replaces glycine 838 with alanine.
Molecular consequence: missense variant.
Genome position (GRCh38, 1-based): chr17:16,101,427, C>G on the plus strand (G>C on the coding strand, the complement: NCOR1 is on the minus strand). VCF-style: chr17-16101427-C-G. GRCh37 (hg19) VCF-style: chr17-16004741-C-G.
Other names: c.2234G>C, p.Gly745Ala (NM_001190438.2); c.2561G>C, p.Gly854Ala (NM_001190440.2); short protein forms G838A, G745A, G854A.
Identifiers: ClinVar variation 710459 (VCV000710459.7), dbSNP rs61320754, ClinGen allele CA8409016.

ClinVar aggregate classification (germline): Benign/Likely benign. Review status: criteria provided, multiple submitters, no conflicts (2 of 4 stars). 3 submissions from 3 submitters: Benign (1); Likely benign (1). 1 of the submissions does not count toward it. Last evaluated 2025-08-18.

Conditions:
NCOR1-related disorder. Also called: NCOR1-related condition.

Allele frequency attached by ClinVar (database versions not stated): 1000 Genomes Project 0.00659; ESP Exome Variant Server 0.00684; 1000 Genomes Project 30x 0.00734; gnomAD exomes 0.00055 and 0.00131; ExAC 0.00163; gnomAD 0.00553 and 0.00593; TOPMed 0.00600.
gnomAD v4.1: 1,681 of 1,614,188 alleles (0.1%); highest among the groups gnomAD compares: African/African-American, 2%; 18 homozygotes.

Submissions (3):

Genomic Medicine Center of Excellence, King Faisal Specialist Hospital and Research Centre
Classification: Likely benign. Last evaluated: 2025-08-18. Review status: criteria provided, single submitter. Criteria: ACMG Guidelines, 2015. Collection method: clinical testing. Allele origin: germline.

Labcorp Genetics (formerly Invitae), Labcorp
Classification: Benign. Last evaluated: 2019-12-31. Review status: criteria provided, single submitter. Criteria: Invitae Variant Classification Sherloc (09022015). Collection method: clinical testing. Allele origin: germline.

PreventionGenetics, part of Exact Sciences
Classification: Benign for NCOR1-related condition. Last evaluated: 2019-03-05. Review status: no assertion criteria provided. Collection method: clinical testing. Allele origin: germline. Not counted in ClinVar's aggregate classification.
Comment: This variant is classified as benign based on ACMG/AMP sequence variant interpretation guidelines (Richards et al. 2015 PMID: 25741868, with internal and published modifications).